The following is an entry in ClinVar:

ClinVar aggregate classification (germline): Benign. Review status: criteria provided, multiple submitters, no conflicts (2 of 4 stars). 3 submissions from 3 submitters: Benign (3). Last evaluated 2026-05-11.

Conditions:
LRP1-related disorder. Also called: LRP1-related condition.

Allele frequency attached by ClinVar (database versions not stated): gnomAD exomes 0.03529 and 0.05675; ESP Exome Variant Server 0.03706; TOPMed 0.04545; gnomAD 0.04737 and 0.04949; ExAC 0.05222; 1000 Genomes Project 30x 0.08182; 1000 Genomes Project 0.08806.
gnomAD v4.1: 56,092 of 1,511,480 alleles (3.7%); highest among the groups gnomAD compares: East Asian, 20%; 1,896 homozygotes.

Submissions (3):

PreventionGenetics, part of Exact Sciences
Classification: Benign for LRP1-related condition. Last evaluated: 2026-05-11. Review status: criteria provided, single submitter. Criteria: ACMG Guidelines, 2015. Collection method: clinical testing. Allele origin: germline.
Comment: This variant is classified as benign based on ACMG/AMP sequence variant interpretation guidelines (Richards et al. 2015 PMID: 25741868, with internal and published modifications).

GeneDx
Classification: Benign. Last evaluated: 2021-06-09. Review status: criteria provided, single submitter. Criteria: GeneDx Variant Classification Process June 2021. Collection method: clinical testing. Allele origin: germline. Affected: yes.

Breakthrough Genomics
Classification: Benign. Review status: criteria provided, single submitter. Criteria: ACMG Guidelines, 2015. Collection method: not provided. Allele origin: germline. Inheritance: Autosomal recessive inheritance. Affected: yes.

NM_002332.3(LRP1):c.7919-10C>T

Gene: LRP1 (LDL receptor related protein 1; plus strand). Cytogenetic location: 12q13.3.
Variant type: single nucleotide variant.
Coding change: c.7919-10C>T on transcript NM_002332.3 (MANE Select); 10 bases into the intron before coding-DNA position 7919, C replaced by T.
Molecular consequence: intron variant.
Genome position (GRCh38, 1-based): chr12:57,194,344, C>T. VCF-style: chr12-57194344-C-T. GRCh37 (hg19) VCF-style: chr12-57588127-C-T.
Other names: c.7919-10C>T (NM_002332.2).
Identifiers: ClinVar variation 1264381 (VCV001264381.4), dbSNP rs34554486, ClinGen allele CA6644221.